The following is an entry in ClinVar:

NM_001258392.3(CLPB):c.1610A>G (p.Tyr537Cys)

Gene: CLPB (ClpB family mitochondrial disaggregase; minus strand). Cytogenetic location: 11q13.4.
Variant type: single nucleotide variant.
Coding change: c.1610A>G on transcript NM_001258392.3 (MANE Select); coding-DNA position 1610, A replaced by G.
Protein change: p.Tyr537Cys; replaces tyrosine 537 with cysteine.
Molecular consequence: missense variant.
Genome position (GRCh38, 1-based): chr11:72,294,395, T>C on the plus strand (A>G on the coding strand, the complement: CLPB is on the minus strand). VCF-style: chr11-72294395-T-C. GRCh37 (hg19) VCF-style: chr11-72005439-T-C.
Other names: c.1523A>G, p.Tyr508Cys (NM_001258393.3); c.1565A>G, p.Tyr522Cys (NM_001258394.3); c.1700A>G, p.Tyr567Cys (NM_030813.6); short protein forms Y567C, Y537C, Y522C, Y508C.
Identifiers: ClinVar variation 279609 (VCV000279609.20), dbSNP rs150857620, ClinGen allele CA6171101.

ClinVar aggregate classification (germline): Conflicting classifications of pathogenicity. Review status: criteria provided, conflicting classifications (1 of 4 stars). 6 submissions from 6 submitters: Likely pathogenic (3); Uncertain significance (2). 1 of the submissions does not count toward it. Last evaluated 2025-12-16.

Conditions:
3-methylglutaconic aciduria, type VIIB (MGCA7B). Also called: CLPB Deficiency; 3-methylglutaconic aciduria with cataracts, neurologic involvement and neutropenia; 3-methylglutaconic aciduria, type VII, with cataracts, neurologic involvement and neutropenia. Identifiers: Orphanet 445038, MedGen C5676893, MONDO:0014561, OMIM 616271.

Allele frequency attached by ClinVar (database versions not stated): TOPMed 0.00005; ESP Exome Variant Server 0.00008.
gnomAD v4.1: 63 of 1,614,038 alleles (0.0039%); highest among the groups gnomAD compares: South Asian, 0.0055%; no homozygotes.

Submissions (6):

Labcorp Genetics (formerly Invitae), Labcorp
Classification: Likely pathogenic for 3-methylglutaconic aciduria, type VIIB. Last evaluated: 2025-12-16. Review status: criteria provided, single submitter. Criteria: Invitae Variant Classification Sherloc (09022015). Collection method: clinical testing. Allele origin: germline.
Comment: This sequence change replaces tyrosine, which is neutral and polar, with cysteine, which is neutral and slightly polar, at codon 567 of the CLPB protein (p.Tyr567Cys). This variant is present in population databases (rs150857620, gnomAD 0.01%). This missense change has been observed in individual(s) with CLPB deficiency (PMID: 25597510; internal data). In at least one individual the data is consistent with being in trans (on the opposite chromosome) from a pathogenic variant. It has also been observed to segregate with disease in related individuals. ClinVar contains an entry for this variant (Variation ID: 279609). An algorithm developed to predict the effect of missense changes on protein structure and function (PolyPhen-2) suggests that this variant is likely to be disruptive. In summary, the currently available evidence indicates that the variant is pathogenic, but additional data are needed to prove that conclusively. Therefore, this variant has been classified as Likely Pathogenic.

GeneDx
Classification: Likely pathogenic. Last evaluated: 2025-07-30. Review status: criteria provided, single submitter. Criteria: GeneDx Variant Classification Process June 2021. Collection method: clinical testing. Allele origin: germline. Affected: yes.
Comment: In silico analysis supports that this missense variant has a deleterious effect on protein structure/function; This variant is associated with the following publications: (PMID: CupoR2024[Review], 27891836, 25597510)

Revvity Omics, Revvity
Classification: Uncertain significance. Last evaluated: 2023-06-26. Review status: criteria provided, single submitter. Criteria: ACMG Guidelines, 2015. Collection method: clinical testing. Allele origin: germline.

Institute of Medical Genetics and Applied Genomics, University Hospital Tübingen
Classification: Likely pathogenic. Last evaluated: 2020-10-23. Review status: criteria provided, single submitter. Criteria: ACMG Guidelines, 2015. Collection method: clinical testing. Allele origin: germline. Inheritance: Autosomal recessive inheritance. Affected: yes.

Baylor Genetics
Classification: Uncertain significance for 3-methylglutaconic aciduria, type VIIB. Last evaluated: 2020-07-28. Review status: criteria provided, single submitter. Criteria: ACMG Guidelines, 2015. Collection method: clinical testing. Allele origin: unknown. Affected: yes.
Comment: This variant was determined to be of uncertain significance according to ACMG Guidelines, 2015 [PMID:25741868].

GeneReviews
No classification provided. Condition: 3-methylglutaconic aciduria, type VIIB. Review status: no classification provided. Collection method: literature only. Allele origin: germline. Affected: yes. Not counted in ClinVar's aggregate classification.

Literature cited by the submitters: PubMed 25597510 (cited by Labcorp Genetics (formerly Invitae), Labcorp and GeneReviews); NCBI Bookshelf NBK396257 (cited by GeneReviews).